The following is an entry in ClinVar:

NM_000243.3(MEFV):c.836C>T (p.Ala279Val)

Gene: MEFV (MEFV innate immunity regulator, pyrin; minus strand). Cytogenetic location: 16p13.3.
Variant type: single nucleotide variant.
Coding change: c.836C>T on transcript NM_000243.3 (MANE Select); coding-DNA position 836, C replaced by T.
Protein change: p.Ala279Val; replaces alanine 279 with valine.
Molecular consequence: missense variant. On other transcripts: intron variant (1).
Genome position (GRCh38, 1-based): chr16:3,254,232, G>A on the plus strand (C>T on the coding strand, the complement: MEFV is on the minus strand). VCF-style: chr16-3254232-G-A. GRCh37 (hg19) VCF-style: chr16-3304232-G-A.
Other names: c.277+2079C>T (NM_001198536.2); short protein forms A279V.
Identifiers: ClinVar variation 646907 (VCV000646907.8), dbSNP rs1596357961, ClinGen allele CA394476981.

ClinVar aggregate classification (germline): Uncertain significance (1 of 4 stars; one submission).

Conditions:
Familial Mediterranean fever (FMF). Also called: POLYSEROSITIS, FAMILIAL PAROXYSMAL; POLYSEROSITIS, RECURRENT; Periodic peritonitis; Benign paroxysmal peritonitis. Identifiers: Orphanet 342, MedGen C0031069, MONDO:0018088, OMIM 249100. Disease mechanism: gain of function.

Submission:

Labcorp Genetics (formerly Invitae), Labcorp
Classification: Uncertain significance for Familial Mediterranean fever. Last evaluated: 2022-06-04. Review status: criteria provided, single submitter. Criteria: Invitae Variant Classification Sherloc (09022015). Collection method: clinical testing. Allele origin: germline.
Comment: In summary, the available evidence is currently insufficient to determine the role of this variant in disease. Therefore, it has been classified as a Variant of Uncertain Significance. Algorithms developed to predict the effect of sequence changes on RNA splicing suggest that this variant may create or strengthen a splice site. Algorithms developed to predict the effect of missense changes on protein structure and function (SIFT, PolyPhen-2, Align-GVGD) all suggest that this variant is likely to be tolerated. ClinVar contains an entry for this variant (Variation ID: 646907). This variant has not been reported in the literature in individuals affected with MEFV-related conditions. This variant is not present in population databases (gnomAD no frequency). This sequence change replaces alanine, which is neutral and non-polar, with valine, which is neutral and non-polar, at codon 279 of the MEFV protein (p.Ala279Val).